The following is an entry in ClinVar:

ClinVar aggregate classification (germline): Uncertain significance (1 of 4 stars; one submission).

Submission:

Labcorp Genetics (formerly Invitae), Labcorp
Classification: Uncertain significance. Last evaluated: 2025-12-23. Review status: criteria provided, single submitter. Criteria: Invitae Variant Classification Sherloc (09022015). Collection method: clinical testing. Allele origin: germline.
Comment: This sequence change replaces asparagine, which is neutral and polar, with histidine, which is basic and polar, at codon 649 of the NFKB1 protein (p.Asn649His). This variant is not present in population databases (gnomAD no frequency). This variant has not been reported in the literature in individuals affected with NFKB1-related conditions. Invitae Evidence Modeling of protein sequence and biophysical properties (such as structural, functional, and spatial information, amino acid conservation, physicochemical variation, residue mobility, and thermodynamic stability) indicates that this missense variant is expected to disrupt NFKB1 protein function with a positive predictive value of 80%. In summary, the available evidence is currently insufficient to determine the role of this variant in disease. Therefore, it has been classified as a Variant of Uncertain Significance.

NM_003998.4(NFKB1):c.1945A>C (p.Asn649His)

Gene: NFKB1 (nuclear factor kappa B subunit 1; plus strand). Cytogenetic location: 4q24.
Variant type: single nucleotide variant.
Coding change: c.1945A>C on transcript NM_003998.4 (MANE Select); coding-DNA position 1945, A replaced by C.
Protein change: p.Asn649His; replaces asparagine 649 with histidine.
Molecular consequence: missense variant.
Genome position (GRCh38, 1-based): chr4:102,606,688, A>C. VCF-style: chr4-102606688-A-C. GRCh37 (hg19) VCF-style: chr4-103527845-A-C.
Other names: c.1942A>C, p.Asn648His (NM_001165412.2, NM_001319226.2, NM_001382627.1); c.1945A>C, p.Asn649His (NM_001382625.1, NM_001382626.1); c.1903A>C, p.Asn635His (NM_001382628.1); short protein forms N635H, N648H, N649H.
Identifiers: ClinVar variation 4741081 (VCV004741081.1).